The following is an entry in ClinVar:

NM_182914.3(SYNE2):c.20233A>G (p.Met6745Val)

Gene: SYNE2 (spectrin repeat containing nuclear envelope protein 2; plus strand). Cytogenetic location: 14q23.2.
Variant type: single nucleotide variant.
Coding change: c.20233A>G on transcript NM_182914.3 (MANE Select); coding-DNA position 20233, A replaced by G.
Protein change: p.Met6745Val; replaces methionine 6745 with valine.
Molecular consequence: missense variant.
Genome position (GRCh38, 1-based): chr14:64,223,231, A>G. VCF-style: chr14-64223231-A-G. GRCh37 (hg19) VCF-style: chr14-64689949-A-G.
Other names: c.20164A>G, p.Met6722Val (NM_015180.6); c.799A>G, p.Met267Val (NM_182910.2); c.1177A>G, p.Met393Val (NM_182913.4); short protein forms M267V, M393V, M6722V, M6745V.
Identifiers: ClinVar variation 4823276 (VCV004823276.4).

ClinVar aggregate classification (germline): Likely benign (1 of 4 stars; one submission).

gnomAD v4.1: 6 of 1,614,142 alleles (0.00037%); highest among the groups gnomAD compares: Non-Finnish European, 0.00051%; no homozygotes.

Submission:

CeGaT Center for Human Genetics Tuebingen
Classification: Likely benign. Last evaluated: 2026-02-01. Review status: criteria provided, single submitter. Criteria: CeGaT Center For Human Genetics Tuebingen Variant Classification Criteria Version 2. Collection method: clinical testing. Allele origin: germline. Affected: yes. Observed: 1 variant allele.
Comment: SYNE2: BP4